The following is an entry in ClinVar:

NM_000059.4(BRCA2):c.1593del (p.Glu532fs)

Gene: BRCA2 (BRCA2 DNA repair associated; plus strand). Cytogenetic location: 13q13.1.
Variant type: Deletion.
Coding change: c.1593del on transcript NM_000059.4 (MANE Select); coding-DNA position 1593, one base deleted (A; older notation c.1593delA).
Protein change: p.Glu532fs; shifts the reading frame from glutamic acid 532.
Molecular consequence: frameshift variant.
Genome position (GRCh38, 1-based): chr13:32,333,071, A deleted; the last of 6 consecutive A bases (chr13:32,333,066-32,333,071); deleting any one gives the same sequence. VCF-style (leftmost placement, unchanged base first): chr13-32333065-TA-T. GRCh37 (hg19) VCF-style: chr13-32907202-TA-T.
Other names: c.1593delA (NM_000059.3); short protein forms E532fs.
Identifiers: ClinVar variation 545729 (VCV000545729.5), dbSNP rs397507272, ClinGen allele CA658823569.

ClinVar aggregate classification (germline): Pathogenic/Likely pathogenic. Review status: criteria provided, multiple submitters, no conflicts (2 of 4 stars). 3 submissions from 3 submitters: Pathogenic (2); Likely pathogenic (1). Last evaluated 2022-02-17.

Conditions:
Hereditary breast ovarian cancer syndrome. Also called: Hereditary breast and ovarian cancer; Hereditary breast and/or ovarian cancer syndrome; Hereditary breast and ovarian cancer syndrome; Hereditary breast and ovarian cancer syndrome (HBOC); Breast and ovarian cancer; BRCA1- and BRCA2-Associated Hereditary Breast and Ovarian Cancer. Identifiers: Orphanet 145, MedGen C0677776, MeSH D061325, MONDO:0003582. Disease mechanism: loss of function.
Hereditary cancer-predisposing syndrome. Also called: Neoplastic Syndromes, Hereditary; Hereditary Cancer Syndrome; Tumor predisposition; Hereditary neoplastic syndrome. Identifiers: Orphanet 140162, MedGen C0027672, MeSH D009386, MONDO:0015356.

Submissions (3):

Ambry Genetics
Classification: Pathogenic for Hereditary cancer-predisposing syndrome. Last evaluated: 2022-02-17. Review status: criteria provided, single submitter. Criteria: Ambry Variant Classification Scheme 2023. Collection method: clinical testing. Allele origin: germline.
Comment: The c.1593delA pathogenic mutation, located in coding exon 9 of the BRCA2 gene, results from a deletion of one nucleotide at nucleotide position 1593, causing a translational frameshift with a predicted alternate stop codon (p.E532Kfs*26). This alteration is expected to result in loss of function by premature protein truncation or nonsense-mediated mRNA decay. This variant was reported in 1/60,466 breast cancer cases and in 0/53,461 controls (Dorling et al. N Engl J Med. 2021 02;384:428-439). This variant is considered to be rare based on population cohorts in the Genome Aggregation Database (gnomAD). As such, this alteration is interpreted as a disease-causing mutation.

Women's Health and Genetics/Laboratory Corporation of America, LabCorp
Classification: Likely pathogenic for Hereditary breast and ovarian cancer syndrome. Last evaluated: 2020-11-25. Review status: criteria provided, single submitter. Criteria: LabCorp Variant Classification Summary - May 2015. Collection method: clinical testing. Allele origin: germline.
Comment: Variant summary: BRCA2 c.1593delA (p.Glu532LysfsX26) results in a premature termination codon, predicted to cause a truncation of the encoded protein or absence of the protein due to nonsense mediated decay, which are commonly known mechanisms for disease. Truncations downstream of this position have been classified as pathogenic by our laboratory. The variant was absent in 246926 control chromosomes. c.1593delA has been reported in the literature as c.1590delA in an at-least one individual affected with Hereditary Breast And Ovarian Cancer Syndrome (example, Abbad_2018, Ruiz_2014). To our knowledge, no experimental evidence demonstrating an impact on protein function has been reported. One clinical diagnostic laboratory has submitted clinical-significance assessments for this variant to ClinVar after 2014 without evidence for independent evaluation and classified the variant as pathogenic. Based on the evidence outlined above, the variant was classified as likely pathogenic.

GeneDx
Classification: Pathogenic. Last evaluated: 2018-01-22. Review status: criteria provided, single submitter. Criteria: GeneDx Variant Classification (06012015). Collection method: clinical testing. Allele origin: germline. Affected: yes.
Comment: This deletion of one nucleotide in BRCA2 is denoted c.1593delA at the cDNA level and p.Glu532LysfsX26 (E532KfsX26) at the protein level. Using alternate nomenclature this variant would be defined as BRCA2 1821delA. The normal sequence, with the base that is deleted in brackets, is TAAAAA[delA]GAAA. The deletion causes a frameshift which changes a Glutamic Acid to a Lysine at codon 532, and creates a premature stop codon at position 26 of the new reading frame. Although this variant has not, to our knowledge, been reported in the literature, it is predicted to cause loss of normal protein function through either protein truncation or nonsense-mediated mRNA decay. We consider this variant to be pathogenic.

Literature cited by the submitters: PubMed 33471991 (cited by Ambry Genetics); PubMed 25136594 (cited by Women's Health and Genetics/Laboratory Corporation of America, LabCorp); PubMed 30263132 (cited by Women's Health and Genetics/Laboratory Corporation of America, LabCorp).